The following is an entry in ClinVar:

ClinVar aggregate classification (germline): Uncertain significance. Review status: criteria provided, multiple submitters, no conflicts (2 of 4 stars). 2 submissions from 2 submitters: Uncertain significance (2). Last evaluated 2025-10-22.

Conditions:
Hereditary cancer-predisposing syndrome. Also called: Hereditary Cancer Syndrome; Hereditary neoplastic syndrome; Neoplastic Syndromes, Hereditary; Tumor predisposition. Identifiers: Orphanet 140162, MedGen C0027672, MeSH D009386, MONDO:0015356.
Fanconi anemia (FA). Also called: Fanconi's anemia. Identifiers: Orphanet 84, MedGen C0015625, MeSH D005199, MONDO:0019391.

Allele frequency attached by ClinVar (database versions not stated): gnomAD exomes below 0.00001.
gnomAD v4.1: 4 of 1,614,146 alleles (0.00025%); highest among the groups gnomAD compares: Non-Finnish European, 0.00034%; no homozygotes.

Submissions (2):

Ambry Genetics
Classification: Uncertain significance for Hereditary cancer-predisposing syndrome. Last evaluated: 2025-10-22. Review status: criteria provided, single submitter. Criteria: Ambry Variant Classification Scheme 2023. Collection method: clinical testing. Allele origin: germline.
Comment: The p.D195E variant (also known as c.585T>G), located in coding exon 6 of the FANCC gene, results from a T to G substitution at nucleotide position 585. The aspartic acid at codon 195 is replaced by glutamic acid, an amino acid with highly similar properties. This amino acid position is conserved. In addition, this alteration is predicted to be tolerated by in silico analysis. Since supporting evidence is limited at this time, the clinical significance of this alteration remains unclear.

Labcorp Genetics (formerly Invitae), Labcorp
Classification: Uncertain significance for Fanconi anemia. Last evaluated: 2024-10-26. Review status: criteria provided, single submitter. Criteria: Invitae Variant Classification Sherloc (09022015). Collection method: clinical testing. Allele origin: germline.
Comment: This sequence change replaces aspartic acid, which is acidic and polar, with glutamic acid, which is acidic and polar, at codon 195 of the FANCC protein (p.Asp195Glu). This variant is not present in population databases (gnomAD no frequency). This variant has not been reported in the literature in individuals affected with FANCC-related conditions. ClinVar contains an entry for this variant (Variation ID: 1446448). Invitae Evidence Modeling of protein sequence and biophysical properties (such as structural, functional, and spatial information, amino acid conservation, physicochemical variation, residue mobility, and thermodynamic stability) indicates that this missense variant is not expected to disrupt FANCC protein function with a negative predictive value of 80%. In summary, the available evidence is currently insufficient to determine the role of this variant in disease. Therefore, it has been classified as a Variant of Uncertain Significance.

NM_000136.3(FANCC):c.585T>G (p.Asp195Glu)

Genes: AOPEP (aminopeptidase O (putative); plus strand), FANCC (FA complementation group C; minus strand). Cytogenetic location: 9q22.32.
Variant type: single nucleotide variant.
Coding change: c.585T>G on transcript NM_000136.3 (MANE Select); coding-DNA position 585, T replaced by G.
Protein change: p.Asp195Glu; replaces aspartic acid 195 with glutamic acid.
Molecular consequence: missense variant.
Genome position (GRCh38, 1-based): chr9:95,150,024, A>C on the plus strand (T>G on the coding strand, the complement: FANCC is on the minus strand). VCF-style: chr9-95150024-A-C. GRCh37 (hg19) VCF-style: chr9-97912306-A-C.
Other names: c.585T>G, p.Asp195Glu (NM_001243743.2, NM_001243744.2); short protein forms D195E.
Identifiers: ClinVar variation 1446448 (VCV001446448.9), dbSNP rs2135427899, ClinGen allele CA374109718.